The following is an entry in ClinVar:

NM_000551.4(VHL):c.519G>C (p.Glu173Asp)

Genes: VHL (von Hippel-Lindau tumor suppressor; plus strand), LOC107303340 (3p25 von Hippel-Lindau tumor suppressor, E3 ubiquitin protein ligase Alu-mediated recombination region; plus strand). Cytogenetic location: 3p25.3.
Variant type: single nucleotide variant.
Coding change: c.519G>C on transcript NM_000551.4 (MANE Select); coding-DNA position 519, G replaced by C.
Protein change: p.Glu173Asp; replaces glutamic acid 173 with aspartic acid.
Molecular consequence: missense variant. On other transcripts: 3 prime UTR variant (1).
Genome position (GRCh38, 1-based): chr3:10,149,842, G>C. VCF-style: chr3-10149842-G-C. GRCh37 (hg19) VCF-style: chr3-10191526-G-C.
Other names: c.*73G>C (NM_001354723.2); c.396G>C, p.Glu132Asp (NM_198156.3); c.519G>C (NM_000551.3); short protein forms E132D, E173D.
Identifiers: ClinVar variation 1378349 (VCV001378349.10), dbSNP rs1696359154, ClinGen allele CA351756217.

ClinVar aggregate classification (germline): Conflicting classifications of pathogenicity. Review status: criteria provided, conflicting classifications (1 of 4 stars). 2 submissions from 2 submitters: Uncertain significance (1); Likely benign (1). Last evaluated 2026-04-23.

Conditions:
Chuvash polycythemia. Also called: POLYCYTHEMIA, VHL-DEPENDENT. Identifiers: Orphanet 238557, MedGen C1837915, MONDO:0009892, OMIM 263400.
Von Hippel-Lindau syndrome (VHLS). Also called: VHL syndrome; Von Hippel-Lindau; von Hippel–Lindau syndrome. Identifiers: Orphanet 892, MedGen C0019562, MONDO:0008667, OMIM 193300. Disease mechanism: loss of function.
Hereditary cancer-predisposing syndrome. Also called: Neoplastic Syndromes, Hereditary; Tumor predisposition; Hereditary Cancer Syndrome; Hereditary neoplastic syndrome. Identifiers: Orphanet 140162, MedGen C0027672, MeSH D009386, MONDO:0015356.

Submissions (2):

Ambry Genetics
Classification: Likely benign for Hereditary cancer-predisposing syndrome. Last evaluated: 2026-04-23. Review status: criteria provided, single submitter. Criteria: Ambry Variant Classification Scheme 2023. Collection method: clinical testing. Allele origin: germline.

Labcorp Genetics (formerly Invitae), Labcorp
Classification: Uncertain significance for Von Hippel-Lindau syndrome; Chuvash polycythemia. Last evaluated: 2021-03-11. Review status: criteria provided, single submitter. Criteria: Invitae Variant Classification Sherloc (09022015). Collection method: clinical testing. Allele origin: germline.
Comment: This sequence change replaces glutamic acid with aspartic acid at codon 173 of the VHL protein (p.Glu173Asp). The glutamic acid residue is highly conserved and there is a small physicochemical difference between glutamic acid and aspartic acid. This variant is not present in population databases (ExAC no frequency). This variant has not been reported in the literature in individuals with VHL-related conditions. Advanced modeling of protein sequence and biophysical properties (such as structural, functional, and spatial information, amino acid conservation, physicochemical variation, residue mobility, and thermodynamic stability) performed at Invitae indicates that this missense variant is expected to disrupt VHL protein function. In summary, the available evidence is currently insufficient to determine the role of this variant in disease. Therefore, it has been classified as a Variant of Uncertain Significance.

Literature cited by the submitters: PubMed 38969834 (cited by Ambry Genetics).